The following is an entry in ClinVar:

NM_000512.5(GALNS):c.34C>T (p.Gln12Ter)

Genes: GALNS (galactosamine (N-acetyl)-6-sulfatase; minus strand), TRAPPC2L (trafficking protein particle complex subunit 2L; plus strand), LOC130059762 (ATAC-STARR-seq lymphoblastoid silent region 7883; plus strand). Cytogenetic location: 16q24.3.
Variant type: single nucleotide variant.
Coding change: c.34C>T on transcript NM_000512.5 (MANE Select); coding-DNA position 34, C replaced by T.
Protein change: p.Gln12Ter; replaces glutamine 12 with a stop codon.
Molecular consequence: nonsense. On other transcripts: 5 prime UTR variant (2).
Genome position (GRCh38, 1-based): chr16:88,856,844, G>A on the plus strand (C>T on the coding strand, the complement: GALNS is on the minus strand). VCF-style: chr16-88856844-G-A. GRCh37 (hg19) VCF-style: chr16-88923252-G-A.
Other names: c.-398C>T (NM_001323543.2); c.-119C>T (NM_001323544.2); short protein forms Q12*.
Identifiers: ClinVar variation 1048249 (VCV001048249.3), dbSNP rs911452920, ClinGen allele CA286411211.
Genomic context (GRCh38, chr16:88,856,844, plus strand): 5'-TGGGGGGCTGCGGGGCGCCCGAGGCCCCCATCCCCGCGGCGCTGAGCACCAGCAACAGCT[G>A]CCACCACCTCGTCGCCGCGACAACCGCCGCCATGGCAACCACGGGAGCCGCGGAGCCCCG-3'

ClinVar aggregate classification (germline): Likely pathogenic (1 of 4 stars; one submission).

Conditions:
Mucopolysaccharidosis, MPS-IV-A (MPS4A). Also called: Mucopolysaccharidosis type IV A; Mucopolysaccharidosis Type IVA; Morquio syndrome A, mild; MORQUIO SYNDROME A; MPS IVA; mucopolysaccharidosis type 4A. Identifiers: Orphanet 309297, Orphanet 582, MedGen C0086651, MONDO:0009659, OMIM 253000.

Allele frequency attached by ClinVar (database versions not stated): gnomAD exomes below 0.00001; TOPMed 0.00001.
gnomAD v4.1: 1 of 1,516,620 alleles (0.000066%); highest among the groups gnomAD compares: Non-Finnish European, 0.000088%; no homozygotes.

Submission:

Laboratory of Diagnosis and Therapy of Lysosomal Disorders, University of Padova
Classification: Likely pathogenic for Mucopolysaccharidosis, MPS-IV-A. Last evaluated: 2021-02-01. Review status: criteria provided, single submitter. Criteria: ACMG Guidelines, 2015. Collection method: curation. Allele origin: germline. Affected: yes.
Comment: Nonsense variant (PVS1_very strong); absent from gnomAD v2.1.1 (PM2_moderate)

Literature cited by the submitters: PubMed 27825773; PubMed 34387910.